The following is an entry in ClinVar:

NM_006593.4(TBR1):c.2033_*6dup (p.Phe678_Ter683=)

Gene: TBR1 (T-box brain transcription factor 1; plus strand). Cytogenetic location: 2q24.2.
Variant type: Duplication.
Coding change: c.2033_*6dup on transcript NM_006593.4 (MANE Select); coding-DNA position 2033 through 6 bases downstream of the stop codon, 23 bases duplicated (TCTACTCGCACAGCTAGGCCGCC).
Protein change: p.Phe678_Ter683=.
Molecular consequence: no sequence alteration.
Genome position (GRCh38, 1-based): chr2:161,424,211-161,424,233, TCTACTCGCACAGCTAGGCCGCC duplicated. VCF-style (leftmost placement, unchanged base first): chr2-161424210-T-TTCTACTCGCACAGCTAGGCCGCC. GRCh37 (hg19) VCF-style: chr2-162280721-T-TTCTACTCGCACAGCTAGGCCGCC.
Identifiers: ClinVar variation 4957162 (VCV004957162.2).

ClinVar aggregate classification (germline): Conflicting classifications of pathogenicity. Review status: criteria provided, conflicting classifications (1 of 4 stars). 2 submissions from 2 submitters: Uncertain significance (1); Likely benign (1). Last evaluated 2026-02-07.

Submissions (2):

GeneDx
Classification: Uncertain significance. Last evaluated: 2026-02-07. Review status: criteria provided, single submitter. Criteria: GeneDx Variant Classification Process June 2021. Collection method: clinical testing. Allele origin: germline.
Comment: Located in a region that tolerates variation and lacks pathogenic variants; Located in a regulatory region; in the absence of functional studies, the actual effect of this sequence change is unknown; Has not been previously published as pathogenic or benign to our knowledge

Blueprint Genetics
Classification: Likely benign. Last evaluated: 2024-10-02. Review status: criteria provided, single submitter. Criteria: ACMG Guidelines, 2015. Collection method: clinical testing. Allele origin: germline.